The following is an entry in ClinVar:

NM_003200.5(TCF3):c.1103A>G (p.Gln368Arg)

Gene: TCF3 (transcription factor 3; minus strand). Cytogenetic location: 19p13.3.
Variant type: single nucleotide variant.
Coding change: c.1103A>G on transcript NM_003200.5 (MANE Select); coding-DNA position 1103, A replaced by G.
Protein change: p.Gln368Arg; replaces glutamine 368 with arginine.
Molecular consequence: missense variant.
Genome position (GRCh38, 1-based): chr19:1,619,844, T>C on the plus strand (A>G on the coding strand, the complement: TCF3 is on the minus strand). VCF-style: chr19-1619844-T-C. GRCh37 (hg19) VCF-style: chr19-1619843-T-C.
Other names: c.1103A>G, p.Gln368Arg (NM_001136139.4, NM_001351778.2, NM_001351779.2); short protein forms Q368R.
Identifiers: ClinVar variation 3966491 (VCV003966491.2).

ClinVar aggregate classification (germline): Uncertain significance. Review status: criteria provided, multiple submitters, no conflicts (2 of 4 stars). 2 submissions from 2 submitters: Uncertain significance (2). Last evaluated 2025-11-03.

Conditions:
Inborn genetic diseases. Identifiers: MedGen C0950123, MeSH D030342.

gnomAD v4.1: 23 of 1,577,936 alleles (0.0015%); highest among the groups gnomAD compares: Non-Finnish European, 0.002%; no homozygotes.

Submissions (2):

Labcorp Genetics (formerly Invitae), Labcorp
Classification: Uncertain significance. Last evaluated: 2025-11-03. Review status: criteria provided, single submitter. Criteria: Invitae Variant Classification Sherloc (09022015). Collection method: clinical testing. Allele origin: germline.
Comment: This sequence change replaces glutamine, which is neutral and polar, with arginine, which is basic and polar, at codon 368 of the TCF3 protein (p.Gln368Arg). This variant is not present in population databases (gnomAD no frequency). This variant has not been reported in the literature in individuals affected with TCF3-related conditions. ClinVar contains an entry for this variant (Variation ID: 3966491). Invitae Evidence Modeling of protein sequence and biophysical properties (such as structural, functional, and spatial information, amino acid conservation, physicochemical variation, residue mobility, and thermodynamic stability) indicates that this missense variant is expected to disrupt TCF3 protein function with a positive predictive value of 80%. In summary, the available evidence is currently insufficient to determine the role of this variant in disease. Therefore, it has been classified as a Variant of Uncertain Significance.

Ambry Genetics
Classification: Uncertain significance for Inborn genetic diseases. Last evaluated: 2025-04-21. Review status: criteria provided, single submitter. Criteria: Ambry Variant Classification Scheme 2023. Collection method: clinical testing. Allele origin: germline.